The following is an entry in ClinVar:

NM_006231.4(POLE):c.6617T>C (p.Val2206Ala)

Gene: POLE (DNA polymerase epsilon, catalytic subunit; minus strand). Cytogenetic location: 12q24.33.
Variant type: single nucleotide variant.
Coding change: c.6617T>C on transcript NM_006231.4 (MANE Select); coding-DNA position 6617, T replaced by C.
Protein change: p.Val2206Ala; replaces valine 2206 with alanine.
Molecular consequence: missense variant.
Genome position (GRCh38, 1-based): chr12:132,625,685, A>G on the plus strand (T>C on the coding strand, the complement: POLE is on the minus strand). VCF-style: chr12-132625685-A-G. GRCh37 (hg19) VCF-style: chr12-133202271-A-G.
Other names: c.6617T>C (NM_006231.2); short protein forms V2206A.
Identifiers: ClinVar variation 1376277 (VCV001376277.7), dbSNP rs2138427647, ClinGen allele CA387366549.
Genomic context (GRCh38, chr12:132,625,685, plus strand): 5'-AGGCGGCATGCACGACTCACCAGGTCCTGCAGGGTGAAGGCCATCAGCTTCTTCTGTAGA[A>G]CTTCCACCAGCGTCATCTCGATGGCAGAGGAGTCGTAGGGCGCCTGACAGTTGGAGCAGA-3'
Protein context (NP_006222.2, residues 2196-2216): SSAIEMTLVE[Val2206Ala]LQKKLMAFTL

ClinVar aggregate classification (germline): Conflicting classifications of pathogenicity. Review status: criteria provided, conflicting classifications (1 of 4 stars). 2 submissions from 2 submitters: Uncertain significance (1); Likely benign (1). Last evaluated 2025-05-31.

Conditions:
Hereditary cancer-predisposing syndrome. Also called: Neoplastic Syndromes, Hereditary; Hereditary Cancer Syndrome; Tumor predisposition; Hereditary neoplastic syndrome. Identifiers: Orphanet 140162, MedGen C0027672, MeSH D009386, MONDO:0015356.

Submissions (2):

Ambry Genetics
Classification: Likely benign for Hereditary cancer-predisposing syndrome. Last evaluated: 2025-05-31. Review status: criteria provided, single submitter. Criteria: Ambry Variant Classification Scheme 2023. Collection method: clinical testing. Allele origin: germline.

Labcorp Genetics (formerly Invitae), Labcorp
Classification: Uncertain significance. Last evaluated: 2024-06-03. Review status: criteria provided, single submitter. Criteria: Invitae Variant Classification Sherloc (09022015). Collection method: clinical testing. Allele origin: germline.
Comment: This sequence change replaces valine, which is neutral and non-polar, with alanine, which is neutral and non-polar, at codon 2206 of the POLE protein (p.Val2206Ala). This variant is not present in population databases (gnomAD no frequency). This variant has not been reported in the literature in individuals affected with POLE-related conditions. ClinVar contains an entry for this variant (Variation ID: 1376277). Advanced modeling of protein sequence and biophysical properties (such as structural, functional, and spatial information, amino acid conservation, physicochemical variation, residue mobility, and thermodynamic stability) performed at Invitae indicates that this missense variant is not expected to disrupt POLE protein function with a negative predictive value of 80%. In summary, the available evidence is currently insufficient to determine the role of this variant in disease. Therefore, it has been classified as a Variant of Uncertain Significance.